The following is an entry in ClinVar:

ClinVar aggregate classification (germline): Pathogenic (1 of 4 stars; one submission).

Conditions:
Cardiovascular phenotype. Identifiers: MedGen CN230736.
Hereditary cancer-predisposing syndrome. Also called: Neoplastic Syndromes, Hereditary; Tumor predisposition; Hereditary Cancer Syndrome; Hereditary neoplastic syndrome. Identifiers: Orphanet 140162, MedGen C0027672, MeSH D009386, MONDO:0015356.

Submission:

Ambry Genetics
Classification: Pathogenic for Cardiovascular phenotype; Hereditary cancer-predisposing syndrome. Last evaluated: 2025-11-18. Review status: criteria provided, single submitter. Criteria: Ambry Variant Classification Scheme 2023. Collection method: clinical testing. Allele origin: germline.
Comment: The c.5454_5456delCCCinsAG pathogenic mutation, located in coding exon 37 of the NF1 gene, results from the deletion of 3 nucleotides and insertion of two nucleotides causing a translational frameshift with a predicted alternate stop codon (p.P1819Afs*23). This variant was reported in individual(s) with features consistent with neurofibromatosis type 1 (NF1) (Ambry internal data). This variant is considered to be rare based on population cohorts in the Genome Aggregation Database (gnomAD). This alteration is expected to result in loss of function by premature protein truncation or nonsense-mediated mRNA decay. As such, this alteration is interpreted as a disease-causing mutation.

NM_001042492.3(NF1):c.5517_5519delinsAG (p.Pro1840fs)

Gene: NF1 (neurofibromin 1; plus strand). Cytogenetic location: 17q11.2.
Variant type: Indel.
Coding change: c.5517_5519delinsAG on transcript NM_001042492.3 (MANE Select); coding-DNA positions 5517 to 5519, CCC replaced by AG.
Protein change: p.Pro1840fs; shifts the reading frame from proline 1840.
Molecular consequence: frameshift variant.
Genome position (GRCh38, 1-based): chr17:31,327,747-31,327,749, CCC replaced by AG. VCF-style: chr17-31327747-CCC-AG. GRCh37 (hg19) VCF-style: chr17-29654765-CCC-AG.
Other names: c.5454_5456delinsAG, p.Pro1819fs (NM_000267.4); short protein forms P1819fs, P1840fs.
Identifiers: ClinVar variation 4615791 (VCV004615791.1).